The following is an entry in ClinVar:

NM_000419.5(ITGA2B):c.137A>G (p.Asn46Ser)

Gene: ITGA2B (integrin subunit alpha 2b; minus strand). Cytogenetic location: 17q21.31.
Variant type: single nucleotide variant.
Coding change: c.137A>G on transcript NM_000419.5 (MANE Select); coding-DNA position 137, A replaced by G.
Protein change: p.Asn46Ser; replaces asparagine 46 with serine.
Molecular consequence: missense variant.
Genome position (GRCh38, 1-based): chr17:44,389,337, T>C on the plus strand (A>G on the coding strand, the complement: ITGA2B is on the minus strand). VCF-style: chr17-44389337-T-C. GRCh37 (hg19) VCF-style: chr17-42466705-T-C.
Other names: short protein forms N46S.
Identifiers: ClinVar variation 2379385 (VCV002379385.4), dbSNP rs754869105, ClinGen allele CA8603534.

ClinVar aggregate classification (germline): Uncertain significance. Review status: criteria provided, multiple submitters, no conflicts (2 of 4 stars). 2 submissions from 2 submitters: Uncertain significance (2). Last evaluated 2024-02-07.

Conditions:
Inborn genetic diseases. Identifiers: MedGen C0950123, MeSH D030342.
Glanzmann thrombasthenia. Also called: BLEEDING DISORDER, PLATELET-TYPE, 2; THROMBASTHENIA OF GLANZMANN AND NAEGELI; PLATELET GLYCOPROTEIN IIb-IIIa DEFICIENCY; Glanzmann's thrombasthenia; Thrombasthenia. Identifiers: Orphanet 849, MedGen C0040015, MONDO:0100326.

Allele frequency attached by ClinVar (database versions not stated): ExAC 0.00002; gnomAD exomes 0.00002; TOPMed 0.00003.
gnomAD v4.1: 34 of 1,614,150 alleles (0.0021%); highest among the groups gnomAD compares: South Asian, 0.0044%; no homozygotes.

Submissions (2):

Labcorp Genetics (formerly Invitae), Labcorp
Classification: Uncertain significance for Glanzmann thrombasthenia. Last evaluated: 2024-02-07. Review status: criteria provided, single submitter. Criteria: Invitae Variant Classification Sherloc (09022015). Collection method: clinical testing. Allele origin: germline.
Comment: This sequence change replaces asparagine, which is neutral and polar, with serine, which is neutral and polar, at codon 46 of the ITGA2B protein (p.Asn46Ser). This variant is present in population databases (rs754869105, gnomAD 0.004%). This variant has not been reported in the literature in individuals affected with ITGA2B-related conditions. ClinVar contains an entry for this variant (Variation ID: 2379385). Advanced modeling of protein sequence and biophysical properties (such as structural, functional, and spatial information, amino acid conservation, physicochemical variation, residue mobility, and thermodynamic stability) performed at Invitae indicates that this missense variant is not expected to disrupt ITGA2B protein function with a negative predictive value of 80%. In summary, the available evidence is currently insufficient to determine the role of this variant in disease. Therefore, it has been classified as a Variant of Uncertain Significance.

Ambry Genetics
Classification: Uncertain significance for Inborn genetic diseases. Last evaluated: 2022-09-29. Review status: criteria provided, single submitter. Criteria: Ambry Variant Classification Scheme 2023. Collection method: clinical testing. Allele origin: germline.